The following is an entry in ClinVar:

ClinVar aggregate classification (germline): Pathogenic. Review status: criteria provided, multiple submitters, no conflicts (2 of 4 stars). 3 submissions from 3 submitters: Pathogenic (2). 1 of the submissions does not count toward it. Last evaluated 2026-01-18.

Conditions:
Xeroderma pigmentosum (XP). Identifiers: Orphanet 910, MedGen C0043346, MONDO:0019600.
Xeroderma pigmentosum, group G (XPG). Also called: XERODERMA PIGMENTOSUM VII; XP, GROUP G; Xeroderma pigmentosum type 7; ERCC5-Related Xeroderma Pigmentosum. Identifiers: MedGen C0268141, MONDO:0010216, OMIM 278780.

Allele frequency attached by ClinVar (database versions not stated): gnomAD 0.00003; TOPMed 0.00005.
gnomAD v4.1: 25 of 1,614,070 alleles (0.0015%); highest among the groups gnomAD compares: Admixed American, 0.0033%; no homozygotes.

Submissions (3):

Labcorp Genetics (formerly Invitae), Labcorp
Classification: Pathogenic. Last evaluated: 2026-01-18. Review status: criteria provided, single submitter. Criteria: Invitae Variant Classification Sherloc (09022015). Collection method: clinical testing. Allele origin: germline.
Comment: This sequence change creates a premature translational stop signal (p.Glu960*) in the ERCC5 gene. It is expected to result in an absent or disrupted protein product. Loss-of-function variants in ERCC5 are known to be pathogenic (PMID: 23370536, 24700531, 30919937). This variant is present in population databases (rs121434570, gnomAD 0.002%). This premature translational stop signal has been observed in individual(s) with Xeroderma pigmentosum (PMID: 7951246). ClinVar contains an entry for this variant (Variation ID: 16566). For these reasons, this variant has been classified as Pathogenic.

Women's Health and Genetics/Laboratory Corporation of America, LabCorp
Classification: Pathogenic for Xeroderma pigmentosum. Last evaluated: 2017-08-21. Review status: criteria provided, single submitter. Criteria: LabCorp Variant Classification Summary - May 2015. Collection method: clinical testing. Allele origin: germline.
Comment: Variant summary: The ERCC5 c.2878G>T (p.Glu960X) variant results in a premature termination codon, predicted to cause a truncated or absent ERCC5 protein due to nonsense mediated decay, which are commonly known mechanisms for disease. This variant was found in 1/120768 control chromosomes at a frequency of 0.0000083, which does not exceed the estimated maximal expected allele frequency of a pathogenic ERCC5 variant (0.0007071). A publication cites the variant in an affected compound heterozygote individual. A functional study, Nouspikel_1994, indicates that the variant is extremely UV sensitive at higher does. In addition, a reputable database classified this variant as pathogenic. Taken together, this variant is classified as pathogenic.

OMIM
Classification: Pathogenic for XERODERMA PIGMENTOSUM, COMPLEMENTATION GROUP G. Last evaluated: 1994-06-01. Review status: no assertion criteria provided. Collection method: literature only. Allele origin: germline. Not counted in ClinVar's aggregate classification.

Literature cited by the submitters: PubMed 23370536 (cited by Labcorp Genetics (formerly Invitae), Labcorp); PubMed 24700531 (cited by Labcorp Genetics (formerly Invitae), Labcorp); PubMed 30919937 (cited by Labcorp Genetics (formerly Invitae), Labcorp); PubMed 7951246 (cited by 3 submitters).

NM_000123.4(ERCC5):c.2878G>T (p.Glu960Ter)

Genes: BIVM-ERCC5 (BIVM-ERCC5 readthrough; plus strand), ERCC5 (ERCC excision repair 5, endonuclease; plus strand). Cytogenetic location: 13q33.1.
Variant type: single nucleotide variant.
Coding change: c.2878G>T on transcript NM_000123.4 (MANE Select); coding-DNA position 2878, G replaced by T.
Protein change: p.Glu960Ter; replaces glutamic acid 960 with a stop codon.
Molecular consequence: nonsense.
Genome position (GRCh38, 1-based): chr13:102,872,397, G>T. VCF-style: chr13-102872397-G-T. GRCh37 (hg19) VCF-style: chr13-103524747-G-T.
Other names: c.4240G>T, p.Glu1414Ter (NM_001204425.2); short protein forms E960*, E1414*.
Identifiers: ClinVar variation 16566 (VCV000016566.4), dbSNP rs121434570, ClinGen allele CA257525.
Genomic context (GRCh38, chr13:102,872,397, plus strand): 5'-GTGGTGGATGACTCGAAGGGATCCTTTCTGTGGGGGAAACCTGATCTCGACAAAATTAGA[G>T]AATATCCTTTGCTTCTTAAAAGAGAAGGAAACACCTTGTCAAATATGTGTTTGGTTTAAA-3'